The following is an entry in ClinVar:

ClinVar aggregate classification (germline): Benign (0 of 4 stars; one submission).

Conditions:
DHX16-related disorder. Also called: DHX16-related condition.

Allele frequency attached by ClinVar (database versions not stated): TOPMed 0.00114; ESP Exome Variant Server 0.00118; 1000 Genomes Project 30x 0.00187; 1000 Genomes Project 0.00240; gnomAD exomes 0.00277; ExAC 0.00308; gnomAD 0.00322.
gnomAD v4.1: 4,469 of 1,612,678 alleles (0.28%); highest among the groups gnomAD compares: Non-Finnish European, 0.24%; 34 homozygotes.

Submission:

PreventionGenetics, part of Exact Sciences
Classification: Benign for DHX16-related condition. Last evaluated: 2019-12-09. Review status: no assertion criteria provided. Collection method: clinical testing. Allele origin: germline.
Comment: This variant is classified as benign based on ACMG/AMP sequence variant interpretation guidelines (Richards et al. 2015 PMID: 25741868, with internal and published modifications).

NM_003587.5(DHX16):c.916G>A (p.Gly306Arg)

Gene: DHX16 (DEAH-box helicase 16; minus strand). Cytogenetic location: 6p21.33.
Variant type: single nucleotide variant.
Coding change: c.916G>A on transcript NM_003587.5 (MANE Select); coding-DNA position 916, G replaced by A.
Protein change: p.Gly306Arg; replaces glycine 306 with arginine.
Molecular consequence: missense variant. On other transcripts: 5 prime UTR variant (1).
Genome position (GRCh38, 1-based): chr6:30,665,484, C>T on the plus strand (G>A on the coding strand, the complement: DHX16 is on the minus strand). VCF-style: chr6-30665484-C-T. GRCh37 (hg19) VCF-style: chr6-30633261-C-T.
Other names: c.736G>A, p.Gly246Arg (NM_001164239.2); c.-1204G>A (NM_001363515.2); short protein forms G246R, G306R.
Identifiers: ClinVar variation 3042637 (VCV003042637.2), dbSNP rs34505140, ClinGen allele CA3701371.
Genomic context (GRCh38, chr6:30,665,484, plus strand): 5'-TTCCCCACAACTTGTCTTGGGGACCAAGGCTGAAGCAGACGCCGCTTCACCTCACCTGTC[C>T]TCGGGTTTCCTTGGGCATGTGGTAGCGATTGGTGGCCTCCAGCTTCTCCTGCTCCCCAGC-3'
Protein context (NP_003578.2, residues 296-316): NRYHMPKETR[Gly306Arg]QPARAVDLVE